The following is an entry in ClinVar:

NM_000492.4(CFTR):c.161A>C (p.Glu54Ala)

Gene: CFTR (CF transmembrane conductance regulator; plus strand). Cytogenetic location: 7q31.2.
Variant type: single nucleotide variant.
Coding change: c.161A>C on transcript NM_000492.4 (MANE Select); coding-DNA position 161, A replaced by C.
Protein change: p.Glu54Ala; replaces glutamic acid 54 with alanine.
Molecular consequence: missense variant.
Genome position (GRCh38, 1-based): chr7:117,504,360, A>C. VCF-style: chr7-117504360-A-C. GRCh37 (hg19) VCF-style: chr7-117144414-A-C.
Other names: short protein forms E54A.
Identifiers: ClinVar variation 2006254 (VCV002006254.4), dbSNP rs1320388257, ClinGen allele CA368987546.

ClinVar aggregate classification (germline): Uncertain significance (1 of 4 stars; one submission).

Conditions:
Cystic fibrosis (CF). Also called: MUCOVISCIDOSIS. Identifiers: Orphanet 586, MedGen C0010674, MONDO:0009061, OMIM 219700. Disease mechanism: loss of function.

Submission:

Labcorp Genetics (formerly Invitae), Labcorp
Classification: Uncertain significance for Cystic fibrosis. Last evaluated: 2022-06-14. Review status: criteria provided, single submitter. Criteria: Invitae Variant Classification Sherloc (09022015). Collection method: clinical testing. Allele origin: germline.
Comment: In summary, the available evidence is currently insufficient to determine the role of this variant in disease. Therefore, it has been classified as a Variant of Uncertain Significance. Algorithms developed to predict the effect of missense changes on protein structure and function (SIFT, PolyPhen-2, Align-GVGD) all suggest that this variant is likely to be tolerated. This variant has not been reported in the literature in individuals affected with CFTR-related conditions. This variant is not present in population databases (gnomAD no frequency). This sequence change replaces glutamic acid, which is acidic and polar, with alanine, which is neutral and non-polar, at codon 54 of the CFTR protein (p.Glu54Ala).